The following is an entry in ClinVar:

ClinVar aggregate classification (germline): Benign/Likely benign. Review status: criteria provided, multiple submitters, no conflicts (2 of 4 stars). 5 submissions from 5 submitters: Benign (2); Likely benign (2). 1 of the submissions does not count toward it. Last evaluated 2026-01-28.

Conditions:
RSPH3-related disorder. Also called: RSPH3-related condition.
Primary ciliary dyskinesia 32. Also called: CILIARY DYSKINESIA, PRIMARY, 32, WITHOUT SITUS INVERSUS. Identifiers: Orphanet 244, MedGen C4225311, MONDO:0014657, OMIM 616481.

Allele frequency attached by ClinVar (database versions not stated): 1000 Genomes Project 30x 0.00890; 1000 Genomes Project 0.00899; TOPMed 0.00920; ESP Exome Variant Server 0.01161.
gnomAD v4.1: 2,462 of 1,614,150 alleles (0.15%); highest among the groups gnomAD compares: African/African-American, 2.9%; 40 homozygotes.

Submissions (5):

Labcorp Genetics (formerly Invitae), Labcorp
Classification: Benign for Primary ciliary dyskinesia 32. Last evaluated: 2026-01-28. Review status: criteria provided, single submitter. Criteria: Invitae Variant Classification Sherloc (09022015). Collection method: clinical testing. Allele origin: germline.

ARUP Laboratories, Molecular Genetics and Genomics, ARUP Laboratories
Classification: Benign for Primary ciliary dyskinesia 32. Last evaluated: 2024-05-20. Review status: criteria provided, single submitter. Criteria: ARUP Molecular Germline Variant Investigation Process 2024. Collection method: clinical testing. Allele origin: germline.

GeneDx
Classification: Likely benign. Last evaluated: 2020-11-11. Review status: criteria provided, single submitter. Criteria: GeneDx Variant Classification Process June 2021. Collection method: clinical testing. Allele origin: germline. Affected: yes.

Breakthrough Genomics
Classification: Likely benign. Review status: criteria provided, single submitter. Criteria: ACMG Guidelines, 2015. Collection method: not provided. Allele origin: germline. Inheritance: Autosomal recessive inheritance. Affected: yes.

PreventionGenetics, part of Exact Sciences
Classification: Likely benign for RSPH3-related condition. Last evaluated: 2019-04-15. Review status: no assertion criteria provided. Collection method: clinical testing. Allele origin: germline. Not counted in ClinVar's aggregate classification.
Comment: This variant is classified as likely benign based on ACMG/AMP sequence variant interpretation guidelines (Richards et al. 2015 PMID: 25741868, with internal and published modifications).

NM_031924.8(RSPH3):c.992A>C (p.His331Pro)

Gene: RSPH3 (radial spoke head 3; minus strand). Cytogenetic location: 6q25.3.
Variant type: single nucleotide variant.
Coding change: c.992A>C on transcript NM_031924.8 (MANE Select); coding-DNA position 992, A replaced by C.
Protein change: p.His331Pro; replaces histidine 331 with proline.
Molecular consequence: missense variant. On other transcripts: non-coding transcript variant (1).
Genome position (GRCh38, 1-based): chr6:158,977,803, T>G on the plus strand (A>C on the coding strand, the complement: RSPH3 is on the minus strand). VCF-style: chr6-158977803-T-G. GRCh37 (hg19) VCF-style: chr6-159398835-T-G.
Other names: c.1130A>C, p.His377Pro (NM_001346418.1); c.1418A>C (NM_031924.5); short protein forms H377P, H331P.
Identifiers: ClinVar variation 475823 (VCV000475823.17), dbSNP rs78116655, ClinGen allele CA4075742.
Genomic context (GRCh38, chr6:158,977,803, plus strand): 5'-ATTGCTCCAGGACCACCAGGCTCATCCTCGGGTTCTGGAGACTGATGTGTGTCTTCCCCA[T>G]GCTCATACATACACAGCCTCTTTTCAACCACCTCACGGATCAACACTGAAAAGTTAAATG-3'
Protein context (NP_114130.4, residues 321-341): VVEKRLCMYE[His331Pro]GEDTHQSPEP